The following is an entry in ClinVar:

NM_024675.4(PALB2):c.1502G>A (p.Arg501Lys)

Gene: PALB2 (partner and localizer of BRCA2; minus strand). Cytogenetic location: 16p12.2.
Variant type: single nucleotide variant.
Coding change: c.1502G>A on transcript NM_024675.4 (MANE Select); coding-DNA position 1502, G replaced by A.
Protein change: p.Arg501Lys; replaces arginine 501 with lysine.
Molecular consequence: missense variant.
Genome position (GRCh38, 1-based): chr16:23,635,044, C>T on the plus strand (G>A on the coding strand, the complement: PALB2 is on the minus strand). VCF-style: chr16-23635044-C-T. GRCh37 (hg19) VCF-style: chr16-23646365-C-T.
Other names: short protein forms R501K.
Identifiers: ClinVar variation 935660 (VCV000935660.14), dbSNP rs1966961470, ClinGen allele CA395131050.

ClinVar aggregate classification (germline): Uncertain significance. Review status: criteria provided, multiple submitters, no conflicts (2 of 4 stars). 2 submissions from 2 submitters: Uncertain significance (2). Last evaluated 2024-03-21.

Conditions:
Hereditary cancer-predisposing syndrome. Also called: Tumor predisposition; Hereditary neoplastic syndrome; Hereditary Cancer Syndrome; Neoplastic Syndromes, Hereditary. Identifiers: Orphanet 140162, MedGen C0027672, MeSH D009386, MONDO:0015356.
Familial cancer of breast. Also called: BREAST CANCER, FAMILIAL; Hereditary breast cancer; hereditary breast carcinoma. Identifiers: Orphanet 227535, MedGen C0346153, MONDO:0016419, OMIM 114480. Disease mechanism: loss of function.

Submissions (2):

Ambry Genetics
Classification: Uncertain significance for Hereditary cancer-predisposing syndrome. Last evaluated: 2024-03-21. Review status: criteria provided, single submitter. Criteria: Ambry Variant Classification Scheme 2023. Collection method: clinical testing. Allele origin: germline.
Comment: The p.R501K variant (also known as c.1502G>A), located in coding exon 4 of the PALB2 gene, results from a G to A substitution at nucleotide position 1502. The arginine at codon 501 is replaced by lysine, an amino acid with highly similar properties. This amino acid position is conserved. In addition, this alteration is predicted to be tolerated by in silico analysis. Since supporting evidence is limited at this time, the clinical significance of this alteration remains unclear.

Labcorp Genetics (formerly Invitae), Labcorp
Classification: Uncertain significance for Familial cancer of breast. Last evaluated: 2022-03-07. Review status: criteria provided, single submitter. Criteria: Invitae Variant Classification Sherloc (09022015). Collection method: clinical testing. Allele origin: germline.
Comment: Algorithms developed to predict the effect of missense changes on protein structure and function output the following: SIFT: "Tolerated"; PolyPhen-2: "Benign"; Align-GVGD: "Class C0". The lysine amino acid residue is found in multiple mammalian species, which suggests that this missense change does not adversely affect protein function. In summary, the available evidence is currently insufficient to determine the role of this variant in disease. Therefore, it has been classified as a Variant of Uncertain Significance. ClinVar contains an entry for this variant (Variation ID: 935660). This variant has not been reported in the literature in individuals affected with PALB2-related conditions. This variant is not present in population databases (gnomAD no frequency). This sequence change replaces arginine, which is basic and polar, with lysine, which is basic and polar, at codon 501 of the PALB2 protein (p.Arg501Lys).